The following is an entry in ClinVar:

NM_002317.7(LOX):c.153C>A (p.Asn51Lys)

Genes: SRFBP1 (serum response factor binding protein 1; plus strand), LOX (lysyl oxidase; minus strand). Cytogenetic location: 5q23.1.
Variant type: single nucleotide variant.
Coding change: c.153C>A on transcript NM_002317.7 (MANE Select); coding-DNA position 153, C replaced by A.
Protein change: p.Asn51Lys; replaces asparagine 51 with lysine.
Molecular consequence: missense variant.
Genome position (GRCh38, 1-based): chr5:122,077,833, G>T on the plus strand (C>A on the coding strand, the complement: LOX is on the minus strand). VCF-style: chr5-122077833-G-T. GRCh37 (hg19) VCF-style: chr5-121413528-G-T.
Other names: short protein forms N51K.
Identifiers: ClinVar variation 521855 (VCV000521855.10), dbSNP rs761847558, ClinGen allele CA3384111.

ClinVar aggregate classification (germline): Uncertain significance. Review status: criteria provided, multiple submitters, no conflicts (2 of 4 stars). 4 submissions from 4 submitters: Uncertain significance (4). Last evaluated 2025-03-27.

Conditions:
Inborn genetic diseases. Identifiers: MedGen C0950123, MeSH D030342.

Allele frequency attached by ClinVar (database versions not stated): gnomAD exomes 0.00001; TOPMed 0.00001; ExAC 0.00010.
gnomAD v4.1: 20 of 1,552,420 alleles (0.0013%); highest among the groups gnomAD compares: Admixed American, 0.0058%; no homozygotes.

Submissions (4):

Labcorp Genetics (formerly Invitae), Labcorp
Classification: Uncertain significance. Last evaluated: 2025-03-27. Review status: criteria provided, single submitter. Criteria: Invitae Variant Classification Sherloc (09022015). Collection method: clinical testing. Allele origin: germline.
Comment: This sequence change replaces asparagine, which is neutral and polar, with lysine, which is basic and polar, at codon 51 of the LOX protein (p.Asn51Lys). The frequency data for this variant in the population databases is considered unreliable, as metrics indicate poor data quality at this position in the gnomAD database. This variant has not been reported in the literature in individuals affected with LOX-related conditions. ClinVar contains an entry for this variant (Variation ID: 521855). Invitae Evidence Modeling of protein sequence and biophysical properties (such as structural, functional, and spatial information, amino acid conservation, physicochemical variation, residue mobility, and thermodynamic stability) has been performed for this missense variant. However, the output from this modeling did not meet the statistical confidence thresholds required to predict the impact of this variant on LOX protein function. In summary, the available evidence is currently insufficient to determine the role of this variant in disease. Therefore, it has been classified as a Variant of Uncertain Significance.

Blueprint Genetics
Classification: Uncertain significance. Last evaluated: 2021-12-29. Review status: criteria provided, single submitter. Criteria: ACMG Guidelines, 2015. Collection method: clinical testing. Allele origin: germline.

GeneDx
Classification: Uncertain significance. Last evaluated: 2021-06-04. Review status: criteria provided, single submitter. Criteria: GeneDx Variant Classification Process June 2021. Collection method: clinical testing. Allele origin: germline. Affected: yes.
Comment: Has not been previously published as pathogenic or benign to our knowledge; In silico analysis supports that this missense variant has a deleterious effect on protein structure/function; Reported in ClinVar as a variant of uncertain significance (ClinVar Variant ID# 521855; Landrum et al., 2016)

Ambry Genetics
Classification: Uncertain significance for Inborn genetic diseases. Last evaluated: 2017-06-26. Review status: criteria provided, single submitter. Criteria: Ambry exome assertion method (8-5-2015). Collection method: clinical testing. Allele origin: germline. Affected: yes. Observed: 1 variant allele.